The following is an entry in ClinVar:

NM_001349253.2(SCN11A):c.1473+6T>C

Gene: SCN11A (sodium voltage-gated channel alpha subunit 11; minus strand). Cytogenetic location: 3p22.2.
Variant type: single nucleotide variant.
Coding change: c.1473+6T>C on transcript NM_001349253.2 (MANE Select); 6 bases into the intron after coding-DNA position 1473, T replaced by C.
Molecular consequence: intron variant.
Genome position (GRCh38, 1-based): chr3:38,907,943, A>G on the plus strand (T>C on the coding strand, the complement: SCN11A is on the minus strand). VCF-style: chr3-38907943-A-G. GRCh37 (hg19) VCF-style: chr3-38949434-A-G.
Other names: c.1473+6T>C (NM_014139.3).
Identifiers: ClinVar variation 1773391 (VCV001773391.7), dbSNP rs746789286, ClinGen allele CA2322313.

ClinVar aggregate classification (germline): Uncertain significance. Review status: criteria provided, multiple submitters, no conflicts (2 of 4 stars). 2 submissions from 2 submitters: Uncertain significance (2). Last evaluated 2025-12-19.

Conditions:
Inborn genetic diseases. Identifiers: MedGen C0950123, MeSH D030342.
Familial episodic pain syndrome with predominantly lower limb involvement. Also called: Episodic pain syndrome, familial, 3. Identifiers: Orphanet 391384, Orphanet 391392, MedGen C3809899, MONDO:0014247, OMIM 615552.
Hereditary sensory and autonomic neuropathy type 7. Also called: HSAN VII; Neuropathy, hereditary sensory and autonomic, type VII. Identifiers: Orphanet 391397, MedGen C3809882, MONDO:0014244, OMIM 615548.

Allele frequency attached by ClinVar (database versions not stated): gnomAD 0.00001; gnomAD exomes 0.00001; ExAC 0.00001.

Submissions (2):

Labcorp Genetics (formerly Invitae), Labcorp
Classification: Uncertain significance for Familial episodic pain syndrome with predominantly lower limb involvement; Hereditary sensory and autonomic neuropathy type 7. Last evaluated: 2025-12-19. Review status: criteria provided, single submitter. Criteria: Invitae Variant Classification Sherloc (09022015). Collection method: clinical testing. Allele origin: germline.
Comment: This sequence change falls in intron 10 of the SCN11A gene. It does not directly change the encoded amino acid sequence of the SCN11A protein. It affects a nucleotide within the consensus splice site. This variant is present in population databases (rs746789286, gnomAD 0.002%). This variant has not been reported in the literature in individuals affected with SCN11A-related conditions. ClinVar contains an entry for this variant (Variation ID: 1773391). Variants that disrupt the consensus splice site are a relatively common cause of aberrant splicing (PMID: 17576681, 9536098). Algorithms developed to predict the effect of sequence changes on RNA splicing suggest that this variant is not likely to affect RNA splicing. In summary, the available evidence is currently insufficient to determine the role of this variant in disease. Therefore, it has been classified as a Variant of Uncertain Significance.

Ambry Genetics
Classification: Uncertain significance for Inborn genetic diseases. Last evaluated: 2020-01-27. Review status: criteria provided, single submitter. Criteria: Ambry Variant Classification Scheme 2023. Collection method: clinical testing. Allele origin: germline.
Comment: The c.1473+6T>C intronic variant results from a T to C substitution 6 nucleotides after coding exon 10 in the SCN11A gene. This nucleotide position is well conserved in available vertebrate species. Using the BDGP and ESEfinder splice site prediction tools, this alteration is not predicted to have any significant effect on this splice donor site; however, direct evidence is unavailable. Since supporting evidence is limited at this time, the clinical significance of this alteration remains unclear.

Literature cited by the submitters: PubMed 17576681 (cited by Labcorp Genetics (formerly Invitae), Labcorp); PubMed 9536098 (cited by Labcorp Genetics (formerly Invitae), Labcorp).